The following is an entry in ClinVar:

ClinVar aggregate classification (germline): Conflicting classifications of pathogenicity. Review status: criteria provided, conflicting classifications (1 of 4 stars). 3 submissions from 3 submitters: Uncertain significance (2); Likely benign (1). Last evaluated 2026-02-17.

Conditions:
Hereditary nonpolyposis colorectal neoplasms. Identifiers: MedGen C0009405, MeSH D003123.
Hereditary cancer-predisposing syndrome. Also called: Tumor predisposition; Hereditary Cancer Syndrome; Hereditary neoplastic syndrome; Neoplastic Syndromes, Hereditary. Identifiers: Orphanet 140162, MedGen C0027672, MeSH D009386, MONDO:0015356.

Submissions (3):

Ambry Genetics
Classification: Likely benign for Hereditary cancer-predisposing syndrome. Last evaluated: 2026-02-17. Review status: criteria provided, single submitter. Criteria: Ambry Variant Classification Scheme 2023. Collection method: clinical testing. Allele origin: germline.

Labcorp Genetics (formerly Invitae), Labcorp
Classification: Uncertain significance for Hereditary nonpolyposis colorectal neoplasms. Last evaluated: 2025-09-13. Review status: criteria provided, single submitter. Criteria: Invitae Variant Classification Sherloc (09022015). Collection method: clinical testing. Allele origin: germline.
Comment: This sequence change falls in intron 3 of the PMS2 gene. It does not directly change the encoded amino acid sequence of the PMS2 protein. It affects a nucleotide within the consensus splice site. This variant is not present in population databases (gnomAD no frequency). This variant has not been reported in the literature in individuals affected with PMS2-related conditions. ClinVar contains an entry for this variant (Variation ID: 1792246). Variants that disrupt the consensus splice site are a relatively common cause of aberrant splicing (PMID: 17576681, 9536098). Algorithms developed to predict the effect of sequence changes on RNA splicing suggest that this variant is not likely to affect RNA splicing. In summary, the available evidence is currently insufficient to determine the role of this variant in disease. Therefore, it has been classified as a Variant of Uncertain Significance.

Color Diagnostics, LLC DBA Color Health
Classification: Uncertain significance for Hereditary cancer-predisposing syndrome. Last evaluated: 2023-08-31. Review status: criteria provided, single submitter. Criteria: ACMG Guidelines, 2015. Collection method: clinical testing. Allele origin: germline.
Comment: This variant causes an A to C nucleotide substitution at the +4 position of intron 3 of the PMS2 gene. Splice site prediction tools predict that this variant may have a significant impact on RNA splicing. To our knowledge, RNA studies have not been reported for this variant. This variant has not been reported in individuals affected with PMS2-related disorders in the literature. This variant has not been identified in the general population by the Genome Aggregation Database (gnomAD). The available evidence is insufficient to determine the role of this variant in disease conclusively. Therefore, this variant is classified as a Variant of Uncertain Significance.

Literature cited by the submitters: PubMed 17576681 (cited by Labcorp Genetics (formerly Invitae), Labcorp); PubMed 9536098 (cited by Labcorp Genetics (formerly Invitae), Labcorp).

NM_000535.7(PMS2):c.250+4A>C

Gene: PMS2 (PMS1 homolog 2, mismatch repair system component; minus strand). Cytogenetic location: 7p22.1.
Variant type: single nucleotide variant.
Coding change: c.250+4A>C on transcript NM_000535.7 (MANE Select); 4 bases into the intron after coding-DNA position 250, A replaced by C.
Molecular consequence: intron variant.
Genome position (GRCh38, 1-based): chr7:6,003,968, T>G on the plus strand (A>C on the coding strand, the complement: PMS2 is on the minus strand). VCF-style: chr7-6003968-T-G. GRCh37 (hg19) VCF-style: chr7-6043599-T-G.
Other names: c.35+4A>C (NM_001322008.2, NM_001322007.2); c.-156+4A>C (NM_001322010.2, NM_001322004.2, NM_001322013.2 and 3 more transcripts); c.-635+4A>C (NM_001322012.2, NM_001322011.2); c.-235+4A>C (NM_001322015.2); c.250+4A>C (NM_001322006.2, NM_001322014.2).
Identifiers: ClinVar variation 1792246 (VCV001792246.9), dbSNP rs1554304934, ClinGen allele CA2580077027.